The following is an entry in ClinVar:

NM_001393586.1(MYO7B):c.1713C>T (p.Asp571=)

Gene: MYO7B (myosin VIIB; plus strand). Cytogenetic location: 2q14.3.
Variant type: single nucleotide variant.
Coding change: c.1713C>T on transcript NM_001393586.1 (MANE Select); coding-DNA position 1713, C replaced by T.
Protein change: p.Asp571=; no amino-acid change (aspartic acid 571 retained).
Molecular consequence: synonymous variant.
Genome position (GRCh38, 1-based): chr2:127,588,414, C>T. VCF-style: chr2-127588414-C-T. GRCh37 (hg19) VCF-style: chr2-128345989-C-T.
Other names: c.1713C>T, p.Asp571= (NM_001080527.2).
Identifiers: ClinVar variation 3038692 (VCV003038692.2), dbSNP rs373697450, ClinGen allele CA1860900.

ClinVar aggregate classification (germline): Likely benign (0 of 4 stars; one submission).

Conditions:
MYO7B-related disorder. Also called: MYO7B-related condition.

Allele frequency attached by ClinVar (database versions not stated): gnomAD exomes 0.00003; ExAC 0.00011; ESP Exome Variant Server 0.00016; TOPMed 0.00018; gnomAD 0.00019.
gnomAD v4.1: 103 of 1,612,902 alleles (0.0064%); highest among the groups gnomAD compares: East Asian, 0.06%; no homozygotes.

Submission:

PreventionGenetics, part of Exact Sciences
Classification: Likely benign for MYO7B-related condition. Last evaluated: 2019-05-23. Review status: no assertion criteria provided. Collection method: clinical testing. Allele origin: germline.
Comment: This variant is classified as likely benign based on ACMG/AMP sequence variant interpretation guidelines (Richards et al. 2015 PMID: 25741868, with internal and published modifications).